The following is an entry in ClinVar:

NM_001014447.3(CPZ):c.1341G>A (p.Ala447=)

Gene: CPZ (carboxypeptidase Z; plus strand). Cytogenetic location: 4p16.1.
Variant type: single nucleotide variant.
Coding change: c.1341G>A on transcript NM_001014447.3 (MANE Select); coding-DNA position 1341, G replaced by A.
Protein change: p.Ala447=; no amino-acid change (alanine 447 retained).
Molecular consequence: synonymous variant.
Genome position (GRCh38, 1-based): chr4:8,612,140, G>A. VCF-style: chr4-8612140-G-A. GRCh37 (hg19) VCF-style: chr4-8613867-G-A.
Other names: c.930G>A, p.Ala310= (NM_001014448.3); c.1308G>A, p.Ala436= (NM_003652.4).
Identifiers: ClinVar variation 3059944 (VCV003059944.2), dbSNP rs2302573, ClinGen allele CA2853726.

ClinVar aggregate classification (germline): Benign (0 of 4 stars; one submission).

Conditions:
CPZ-related disorder. Also called: CPZ-related condition.

Allele frequency attached by ClinVar (database versions not stated): ESP Exome Variant Server 0.02392; TOPMed 0.03526; 1000 Genomes Project 30x 0.07854; 1000 Genomes Project 0.08147.
gnomAD v4.1: 24,810 of 1,578,294 alleles (1.6%); highest among the groups gnomAD compares: East Asian, 23%; 1,506 homozygotes.

Submission:

PreventionGenetics, part of Exact Sciences
Classification: Benign for CPZ-related condition. Last evaluated: 2019-12-06. Review status: no assertion criteria provided. Collection method: clinical testing. Allele origin: germline.
Comment: This variant is classified as benign based on ACMG/AMP sequence variant interpretation guidelines (Richards et al. 2015 PMID: 25741868, with internal and published modifications).